The following is an entry in ClinVar:

ClinVar aggregate classification (germline): Conflicting classifications of pathogenicity. Review status: criteria provided, conflicting classifications (1 of 4 stars). 5 submissions from 5 submitters: Uncertain significance (1); Benign (1); Likely benign (3). Last evaluated 2026-08-01.

Conditions:
Goldberg-Shprintzen syndrome. Identifiers: Orphanet 66629, MedGen C1836123, MONDO:0012280, OMIM 609460.

Allele frequency attached by ClinVar (database versions not stated): gnomAD exomes 0.00023 and 0.00065; ESP Exome Variant Server 0.00031; 1000 Genomes Project 0.00040; ExAC 0.00046; 1000 Genomes Project 30x 0.00047; gnomAD 0.00057 and 0.00058; TOPMed 0.00097.
gnomAD v4.1: 454 of 1,614,156 alleles (0.028%); highest among the groups gnomAD compares: Admixed American, 0.25%; 1 homozygote.

Submissions (5):

CeGaT Center for Human Genetics Tuebingen
Classification: Likely benign. Last evaluated: 2026-08-01. Review status: criteria provided, single submitter. Criteria: CeGaT Center For Human Genetics Tuebingen Variant Classification Criteria Version 2. Collection method: clinical testing. Allele origin: germline. Affected: yes. Observed: 2 variant alleles.
Comment: KIFBP: BP4, BP7

Labcorp Genetics (formerly Invitae), Labcorp
Classification: Benign. Last evaluated: 2025-10-12. Review status: criteria provided, single submitter. Criteria: Invitae Variant Classification Sherloc (09022015). Collection method: clinical testing. Allele origin: germline.

GeneDx
Classification: Likely benign. Last evaluated: 2020-10-17. Review status: criteria provided, single submitter. Criteria: GeneDx Variant Classification Process June 2021. Collection method: clinical testing. Allele origin: germline. Affected: yes.

Illumina Laboratory Services, Illumina
Classification: Uncertain significance for Goldberg-Shprintzen syndrome. Last evaluated: 2018-01-12. Review status: criteria provided, single submitter. Criteria: ICSL Variant Classification Criteria 13 December 2019. Collection method: clinical testing. Allele origin: germline.

Genetic Services Laboratory, University of Chicago
Classification: Likely benign. Last evaluated: 2016-11-15. Review status: criteria provided, single submitter. Criteria: ACMG Guidelines, 2015. Collection method: clinical testing. Allele origin: germline. Affected: no.

NM_015634.4(KIFBP):c.1399C>T (p.Leu467=)

Gene: KIFBP (kinesin family binding protein; plus strand). Cytogenetic location: 10q22.1.
Variant type: single nucleotide variant.
Coding change: c.1399C>T on transcript NM_015634.4 (MANE Select); coding-DNA position 1399, C replaced by T.
Protein change: p.Leu467=; no amino-acid change (leucine 467 retained).
Molecular consequence: synonymous variant.
Genome position (GRCh38, 1-based): chr10:69,015,949, C>T. VCF-style: chr10-69015949-C-T. GRCh37 (hg19) VCF-style: chr10-70775705-C-T.
Identifiers: ClinVar variation 158693 (VCV000158693.21), dbSNP rs142011043, ClinGen allele CA213240.
Genomic context (GRCh38, chr10:69,015,949, plus strand): 5'-CATAAACGCAGAATAGCCATGCTAGAGCCCCTAACTGTAGACCTGAATCCACAGTATTAT[C>T]TGTTGGTCAACAGACAGATCCAGTTTGAAATTGCACATGCTTACTATGATATGATGGATT-3'
Protein context (NP_056449.1, residues 457-477): LTVDLNPQYY[Leu467=]LVNRQIQFEI